The following is an entry in ClinVar:

ClinVar aggregate classification (germline): Uncertain significance (1 of 4 stars; one submission).

Conditions:
Very long chain acyl-CoA dehydrogenase deficiency (ACADVLD). Also called: Very Long-Chain Acyl-Coenzyme A Dehydrogenase Deficiency; VLCAD Deficiency. Identifiers: Orphanet 26793, MedGen C3887523, MONDO:0008723, OMIM 201475.

Submission:

Wong Mito Lab, Molecular and Human Genetics, Baylor College of Medicine
Classification: Uncertain significance for Very long chain acyl-CoA dehydrogenase deficiency. Last evaluated: 2019-11-01. Review status: criteria provided, single submitter. Criteria: ACMG Guidelines, 2015. Collection method: clinical testing. Allele origin: germline.
Comment: The NM_000018.3:c.1141G>A (NP_000009.1:p.Glu381Lys) [GRCH38: NC_000017.11:g.7223196G>A] variant in ACADVL gene is interpretated to be Uncertain Significance based on ACMG guidelines (PMID: 25741868). This variant has been reported. This variant meets the following evidence codes reported in the ACMG guidelines: PP3

NM_000018.4(ACADVL):c.1141G>A (p.Glu381Lys)

Gene: ACADVL (acyl-CoA dehydrogenase very long chain; plus strand). Cytogenetic location: 17p13.1.
Variant type: single nucleotide variant.
Coding change: c.1141G>A on transcript NM_000018.4 (MANE Select); coding-DNA position 1141, G replaced by A.
Protein change: p.Glu381Lys; replaces glutamic acid 381 with lysine.
Molecular consequence: missense variant.
Genome position (GRCh38, 1-based): chr17:7,223,196, G>A. VCF-style: chr17-7223196-G-A. GRCh37 (hg19) VCF-style: chr17-7126515-G-A.
Other names: c.1075G>A, p.Glu359Lys (NM_001033859.3); c.1210G>A, p.Glu404Lys (NM_001270447.2); c.913G>A, p.Glu305Lys (NM_001270448.2); short protein forms E404K, E359K, E381K, E305K.
Identifiers: ClinVar variation 932802 (VCV000932802.2), dbSNP rs1212266005, ClinGen allele CA397724443.